The following is an entry in ClinVar:

NM_001393504.1(MAST3):c.2608G>T (p.Ala870Ser)

Gene: MAST3 (microtubule associated serine/threonine kinase 3; plus strand). Cytogenetic location: 19p13.11.
Variant type: single nucleotide variant.
Coding change: c.2608G>T on transcript NM_001393504.1 (MANE Select); coding-DNA position 2608, G replaced by T.
Protein change: p.Ala870Ser; replaces alanine 870 with serine.
Molecular consequence: missense variant.
Genome position (GRCh38, 1-based): chr19:18,144,489, G>T. VCF-style: chr19-18144489-G-T. GRCh37 (hg19) VCF-style: chr19-18255299-G-T.
Other names: c.2632G>T, p.Ala878Ser (NM_001393501.1); c.2611G>T, p.Ala871Ser (NM_001393502.1); c.2608G>T, p.Ala870Ser (NM_001393503.1); c.2605G>T, p.Ala869Ser (NM_001393505.1); c.2560G>T, p.Ala854Ser (NM_001393506.1, NM_001393513.1); c.2587G>T, p.Ala863Ser (NM_001393507.1); c.2542G>T, p.Ala848Ser (NM_001393508.1, NM_001393516.1); c.2539G>T, p.Ala847Ser (NM_001393509.1, NM_001393510.1, NM_001393512.1 and 2 more transcripts); and 4 more; short protein forms A832S, A840S, A841S, A846S, A847S, A848S, A854S, A863S.
Identifiers: ClinVar variation 4682066 (VCV004682066.5).

ClinVar aggregate classification (germline): Likely benign (1 of 4 stars; one submission).

gnomAD v4.1: 3 of 1,585,036 alleles (0.00019%); highest among the groups gnomAD compares: South Asian, 0.0011%; no homozygotes.

Submission:

CeGaT Center for Human Genetics Tuebingen
Classification: Likely benign. Last evaluated: 2025-12-01. Review status: criteria provided, single submitter. Criteria: CeGaT Center For Human Genetics Tuebingen Variant Classification Criteria Version 2. Collection method: clinical testing. Allele origin: germline. Affected: yes. Observed: 1 variant allele.
Comment: MAST3: BP4